The following is an entry in ClinVar:

NM_033380.3(COL4A5):c.3087_3093del (p.Gly1030fs)

Gene: COL4A5 (collagen type IV alpha 5 chain; plus strand). Cytogenetic location: Xq22.3.
Variant type: Deletion.
Coding change: c.3087_3093del on transcript NM_033380.3 (MANE Select); coding-DNA positions 3087 to 3093, 7 bases deleted (CGGTGAT; older notation c.3087_3093delCGGTGAT).
Protein change: p.Gly1030fs; shifts the reading frame from glycine 1030.
Molecular consequence: frameshift variant.
Genome position (GRCh38, 1-based): chrX:108,625,775-108,625,781, CGGTGAT deleted; deleting any 7 consecutive bases within chrX:108,625,773-108,625,781 gives the same sequence; the c. name uses the placement nearest the transcript's 3' end. VCF-style (leftmost placement, unchanged base first): chrX-108625772-CATCGGTG-C. GRCh37 (hg19) VCF-style: chrX-107869002-CATCGGTG-C.
Other names: c.3085_3091del (NM_033380.3); c.3087_3093del, p.Gly1030fs (NM_000495.5); short protein forms G1030fs.
Identifiers: ClinVar variation 1690863 (VCV001690863.2), dbSNP rs2147872291, ClinGen allele CA2573159097.

ClinVar aggregate classification (germline): Likely pathogenic (1 of 4 stars; one submission).

Submission:

Laboratorio de Genetica e Diagnostico Molecular, Hospital Israelita Albert Einstein
Classification: Likely pathogenic. Last evaluated: 2020-04-17. Review status: criteria provided, single submitter. Criteria: ACMG Guidelines, 2015. Collection method: clinical testing. Allele origin: germline. Affected: yes.
Comment: ACMG classification criteria: PVS1, PM2